The following is an entry in ClinVar:

NM_007294.4(BRCA1):c.1258G>A (p.Asp420Asn)

Gene: BRCA1 (BRCA1 DNA repair associated; minus strand). Cytogenetic location: 17q21.31.
Variant type: single nucleotide variant.
Coding change: c.1258G>A on transcript NM_007294.4 (MANE Select); coding-DNA position 1258, G replaced by A.
Protein change: p.Asp420Asn; replaces aspartic acid 420 with asparagine.
Molecular consequence: missense variant. On other transcripts: intron variant (137).
Genome position (GRCh38, 1-based): chr17:43,094,273, C>T on the plus strand (G>A on the coding strand, the complement: BRCA1 is on the minus strand). VCF-style: chr17-43094273-C-T. GRCh37 (hg19) VCF-style: chr17-41246290-C-T.
Other names: c.1258G>A, p.Asp420Asn (NM_001407619.1, NM_001407620.1, NM_001407621.1 and 30 more transcripts); c.1255G>A, p.Asp419Asn (NM_001407627.1, NM_001407628.1, NM_001407638.1 and 22 more transcripts); c.1249G>A, p.Asp417Asn (NM_001407646.1, NM_001407647.1); c.1135G>A, p.Asp379Asn (NM_001407648.1, NM_001407664.1, NM_001407665.1 and 19 more transcripts); c.1177G>A, p.Asp393Asn (NM_001407660.1, NM_001407661.1, NM_001407662.1 and 1 more transcripts); c.1180G>A, p.Asp394Asn (NM_001407663.1, NM_001407653.1, NM_001407654.1 and 4 more transcripts); c.1132G>A, p.Asp378Asn (NM_001407685.1, NM_001407686.1, NM_001407687.1 and 11 more transcripts); c.1117G>A, p.Asp373Asn (NM_001407724.1, NM_001407725.1, NM_001407726.1 and 29 more transcripts); and 40 more; short protein forms D420N, D373N, D252N, D309N, D352N, D378N, D393N, D124N.
Identifiers: ClinVar variation 573069 (VCV000573069.13), dbSNP rs80357488, ClinGen allele CA10599539.
Genomic context (GRCh38, chr17:43,094,273, plus strand): 5'-AAGCCTCATGAGGATCACTGGCCAGTAAGTCTATTTTCTCTGAAGAACCAGAATATTCAT[C>T]TACCTCATTTAGAACGTCCAATACATCAGCTACTTTGGCATTTGATTCAGACTCCCCATC-3'
Protein context (NP_009225.1, residues 410-430): ADVLDVLNEV[Asp420Asn]EYSGSSEKID

ClinVar aggregate classification (germline): Conflicting classifications of pathogenicity. Review status: criteria provided, conflicting classifications (1 of 4 stars). 3 submissions from 3 submitters: Uncertain significance (2); Likely benign (1). Last evaluated 2023-04-03.

Conditions:
Breast-ovarian cancer, familial, susceptibility to, 1 (BROVCA1). Also called: BRCA1 Hereditary Breast and Ovarian Cancer; OVARIAN CANCER, SUSCEPTIBILITY TO. Identifiers: Orphanet 145, MedGen C2676676, MONDO:0011450, OMIM 604370. Disease mechanism: loss of function.
Hereditary breast ovarian cancer syndrome. Also called: Hereditary breast and ovarian cancer; Hereditary breast and ovarian cancer syndrome; Hereditary breast and ovarian cancer syndrome (HBOC); Breast and ovarian cancer; BRCA1- and BRCA2-Associated Hereditary Breast and Ovarian Cancer; Hereditary breast and/or ovarian cancer syndrome. Identifiers: Orphanet 145, MedGen C0677776, MeSH D061325, MONDO:0003582. Disease mechanism: loss of function.
Hereditary cancer-predisposing syndrome. Also called: Tumor predisposition; Neoplastic Syndromes, Hereditary; Hereditary Cancer Syndrome; Hereditary neoplastic syndrome. Identifiers: Orphanet 140162, MedGen C0027672, MeSH D009386, MONDO:0015356.

Submissions (3):

All of Us Research Program, National Institutes of Health
Classification: Uncertain significance for Breast-ovarian cancer, familial, susceptibility to, 1. Last evaluated: 2023-04-03. Review status: criteria provided, single submitter. Criteria: ACMG Guidelines, 2015. Collection method: clinical testing. Allele origin: germline. Inheritance: Autosomal dominant inheritance. Observed: 1 variant allele, 1 heterozygote.
Comment: This missense variant replaces aspartic acid with asparagine at codon 420 of the BRCA1 protein. Computational prediction suggests that this variant may not impact protein structure and function (internally defined REVEL score threshold <= 0.5, PMID: 27666373). To our knowledge, functional studies have not been reported for this variant. This variant has not been reported in individuals affected with BRCA1-related disorders in the literature. This variant has not been identified in the general population by the Genome Aggregation Database (gnomAD). The available evidence is insufficient to determine the role of this variant in disease conclusively. Therefore, this variant is classified as a Variant of Uncertain Significance.

This study involves interpretation of variants in research participants for the purpose of population health screening. Participant phenotype was not available at the time of variant classification. Additional details can be found in publication PMID: 35346344, PMCID: PMC8962531

University of Washington Department of Laboratory Medicine, University of Washington
Classification: Likely benign for Hereditary cancer-predisposing syndrome. Last evaluated: 2023-03-23. Review status: criteria provided, single submitter. Criteria: Dines et al. (Genet Med. 2020). Collection method: curation. Allele origin: germline.
Comment: Missense variant in a coldspot region where missense variants are very unlikely to be pathogenic (PMID:31911673).

BRCA1 coldspot (exon 11 using historical exon numbering). Reclassification based on statistical prior probability

Labcorp Genetics (formerly Invitae), Labcorp
Classification: Uncertain significance for Hereditary breast ovarian cancer syndrome. Last evaluated: 2021-03-14. Review status: criteria provided, single submitter. Criteria: Invitae Variant Classification Sherloc (09022015). Collection method: clinical testing. Allele origin: germline.
Comment: In summary, the available evidence is currently insufficient to determine the role of this variant in disease. Therefore, it has been classified as a Variant of Uncertain Significance. Algorithms developed to predict the effect of sequence changes on RNA splicing suggest that this variant may create or strengthen a splice site, but this prediction has not been confirmed by published transcriptional studies. Advanced modeling of protein sequence and biophysical properties (such as structural, functional, and spatial information, amino acid conservation, physicochemical variation, residue mobility, and thermodynamic stability) performed at Invitae indicates that this missense variant is not expected to disrupt BRCA1 protein function. This variant has not been reported in the literature in individuals with BRCA1-related conditions. ClinVar contains an entry for this variant (Variation ID: 573069). This variant is not present in population databases (ExAC no frequency). This sequence change replaces aspartic acid with asparagine at codon 420 of the BRCA1 protein (p.Asp420Asn). The aspartic acid residue is highly conserved and there is a small physicochemical difference between aspartic acid and asparagine.